The following is an entry in ClinVar:

NM_025233.7(COASY):c.1209C>G (p.Tyr403Ter)

Gene: COASY (Coenzyme A synthase; plus strand). Cytogenetic location: 17q21.2.
Variant type: single nucleotide variant.
Coding change: c.1209C>G on transcript NM_025233.7 (MANE Select); coding-DNA position 1209, C replaced by G.
Protein change: p.Tyr403Ter; replaces tyrosine 403 with a stop codon.
Molecular consequence: nonsense.
Genome position (GRCh38, 1-based): chr17:42,564,870, C>G. VCF-style: chr17-42564870-C-G. GRCh37 (hg19) VCF-style: chr17-40716888-C-G.
Other names: c.1209C>G, p.Tyr403Ter (NM_001042529.3); c.1296C>G, p.Tyr432Ter (NM_001042532.4); short protein forms Y403*, Y432*.
Identifiers: ClinVar variation 5019731 (VCV005019731.2).

ClinVar aggregate classification (germline): Likely pathogenic (1 of 4 stars; one submission).

Conditions:
Pontocerebellar hypoplasia, type 12. Identifiers: Orphanet 611256, MedGen C4748873, MONDO:0032643, OMIM 618266.
Neurodegeneration with brain iron accumulation 6 (NBIA6). Also called: COASY protein-associated neurodegeneration. Identifiers: Orphanet 397725, MedGen C4517377, MONDO:0014290, OMIM 615643.

Submission:

Juno Genomics, Hangzhou Juno Genomics, Inc
Classification: Likely pathogenic for Neurodegeneration with brain iron accumulation 6; Pontocerebellar hypoplasia, type 12. Review status: criteria provided, single submitter. Criteria: ACMG Guidelines, 2015. Collection method: clinical testing. Allele origin: germline.
Comment: Absent from controls (or at extremely low frequency if recessive) in Genome Aggregation Database.;Null variant in a gene where loss of function (LOF) is a known mechanism of disease.